The following is an entry in ClinVar:

ClinVar aggregate classification (germline): Uncertain significance (1 of 4 stars; one submission).

Conditions:
Lethal multiple pterygium syndrome (LMPS). Identifiers: Orphanet 33108, MedGen C1854678, MONDO:0009668, OMIM 253290.

Allele frequency attached by ClinVar (database versions not stated): gnomAD exomes below 0.00001.

Submission:

Labcorp Genetics (formerly Invitae), Labcorp
Classification: Uncertain significance for Lethal multiple pterygium syndrome. Last evaluated: 2017-04-20. Review status: criteria provided, single submitter. Criteria: Invitae Variant Classification Sherloc (09022015). Collection method: clinical testing. Allele origin: germline.
Comment: This sequence change replaces leucine with phenylalanine at codon 331 of the CHRND protein (p.Leu331Phe). The leucine residue is highly conserved and there is a small physicochemical difference between leucine and phenylalanine. This variant is not present in population databases (ExAC no frequency) and has not been reported in the literature in individuals with a CHRND-related disease. Algorithms developed to predict the effect of missense changes on protein structure and function do not agree on the potential impact of this missense change (SIFT: "Deleterious"; PolyPhen-2: "Probably Damaging"; Align-GVGD: "Class C0"). In summary, this variant is a novel missense change with uncertain impact on protein function. It has been classified as a Variant of Uncertain Significance.

NM_000751.3(CHRND):c.991C>T (p.Leu331Phe)

Gene: CHRND (cholinergic receptor nicotinic delta subunit; plus strand). Cytogenetic location: 2q37.1.
Variant type: single nucleotide variant.
Coding change: c.991C>T on transcript NM_000751.3 (MANE Select); coding-DNA position 991, C replaced by T.
Protein change: p.Leu331Phe; replaces leucine 331 with phenylalanine.
Molecular consequence: missense variant.
Genome position (GRCh38, 1-based): chr2:232,531,600, C>T. VCF-style: chr2-232531600-C-T. GRCh37 (hg19) VCF-style: chr2-233396310-C-T.
Other names: c.946C>T, p.Leu316Phe (NM_001256657.2); c.409C>T, p.Leu137Phe (NM_001311195.2); c.688C>T, p.Leu230Phe (NM_001311196.2); short protein forms L331F, L137F, L230F, L316F.
Identifiers: ClinVar variation 466198 (VCV000466198.8), dbSNP rs1292476417, ClinGen allele CA351003425.